The following is an entry in ClinVar:

NM_000052.7(ATP7A):c.1106A>G (p.Asn369Ser)

Gene: ATP7A (ATPase copper transporting alpha; plus strand). Cytogenetic location: Xq21.1.
Variant type: single nucleotide variant.
Coding change: c.1106A>G on transcript NM_000052.7 (MANE Select); coding-DNA position 1106, A replaced by G.
Protein change: p.Asn369Ser; replaces asparagine 369 with serine.
Molecular consequence: missense variant.
Genome position (GRCh38, 1-based): chrX:77,989,728, A>G. VCF-style: chrX-77989728-A-G. GRCh37 (hg19) VCF-style: chrX-77245224-A-G.
Other names: c.1106A>G, p.Asn369Ser (NM_001282224.2); short protein forms N369S.
Identifiers: ClinVar variation 1396742 (VCV001396742.9), dbSNP rs1557231866, ClinGen allele CA413601826.

ClinVar aggregate classification (germline): Conflicting classifications of pathogenicity. Review status: criteria provided, conflicting classifications (1 of 4 stars). 2 submissions from 2 submitters: Uncertain significance (1); Likely benign (1). Last evaluated 2024-01-08.

Conditions:
Cutis laxa, X-linked (OHS). Also called: EDS IX; Occipital horn syndrome. Identifiers: Orphanet 198, MedGen C0268353, MONDO:0010572, OMIM 304150.
X-linked distal spinal muscular atrophy type 3. Also called: ATP7A-Related Distal Motor Neuropathy; SPINAL MUSCULAR ATROPHY, DISTAL, X-LINKED RECESSIVE; NEUROPATHY, DISTAL HEREDITARY MOTOR, X-LINKED; NEURONOPATHY, DISTAL HEREDITARY MOTOR, X-LINKED. Identifiers: Orphanet 139557, MedGen C1845359, MONDO:0010338, OMIM 300489.
Menkes kinky-hair syndrome (MNK). Also called: Classic Menkes Disease; Copper transport disease; Menkes Disease. Identifiers: Orphanet 565, MedGen C0022716, MONDO:0010651, OMIM 309400.

Allele frequency attached by ClinVar (database versions not stated): gnomAD exomes 0.00001.
gnomAD v4.1: 1 of 1,211,534 alleles (0.000083%); no homozygotes.

Submissions (2):

Labcorp Genetics (formerly Invitae), Labcorp
Classification: Likely benign for X-linked distal spinal muscular atrophy type 3; Cutis laxa, X-linked; Menkes kinky-hair syndrome. Last evaluated: 2024-01-08. Review status: criteria provided, single submitter. Criteria: Invitae Variant Classification Sherloc (09022015). Collection method: clinical testing. Allele origin: germline.

GeneDx
Classification: Uncertain significance. Last evaluated: 2022-06-17. Review status: criteria provided, single submitter. Criteria: GeneDx Variant Classification Process June 2021. Collection method: clinical testing. Allele origin: germline. Affected: yes.
Comment: Not observed at significant frequency in large population cohorts (gnomAD); In silico analysis supports that this missense variant does not alter protein structure/function; Has not been previously published as pathogenic or benign to our knowledge